The following is an entry in ClinVar:

NM_000500.9(CYP21A2):c.332del (p.Gly111fs)

Genes: CYP21A2 (cytochrome P450 family 21 subfamily A member 2; plus strand), LOC106780800 (CYP21A2 recombination region; plus strand). Cytogenetic location: 6p21.33.
Variant type: Deletion.
Coding change: c.332del on transcript NM_000500.9 (MANE Select); coding-DNA position 332, one base deleted (G; older notation c.332delG).
Protein change: p.Gly111fs; shifts the reading frame from glycine 111.
Molecular consequence: frameshift variant. On other transcripts: 5 prime UTR variant (2).
Genome position (GRCh38, 1-based): chr6:32,039,133, G deleted; the last of 3 consecutive G bases (chr6:32,039,131-32,039,133); deleting any one gives the same sequence. VCF-style (leftmost placement, unchanged base first): chr6-32039130-TG-T. GRCh37 (hg19) VCF-style: chr6-32006907-TG-T.
Other names: c.242del, p.Gly81fs (NM_001128590.4); c.-74del (NM_001368143.2, NM_001368144.2); short protein forms G111fs, G81fs.
Identifiers: ClinVar variation 804726 (VCV000804726.2), dbSNP rs1582302950, ClinGen allele CA915944193.
Genomic context (GRCh38, chr6:32,039,130, plus strand): 5'-TCCAGCCCCCACCTCCTCCTGCAGACAAGCTGGTGTCTAGGAACTACCCGGACCTGTCCT[TG>T]GGAGACTACTCCCTGCTCTGGAAAGCCCACAAGAAGCTCACCCGCTCAGCCCTGCTGCTG-3'

ClinVar aggregate classification (germline): Pathogenic (1 of 4 stars; one submission).

Submission:

Athena Diagnostics
Classification: Pathogenic. Last evaluated: 2020-10-07. Review status: criteria provided, single submitter. Criteria: Athena Diagnostics criteria. Collection method: clinical testing. Allele origin: unknown.
Comment: This variant is expected to result in the loss of a functional protein. This variant has not been reported in large, multi-ethnic general populations. This variant has been identified in at least one individual with clinical features associated with this gene.